The following is an entry in ClinVar:

NM_001163435.3(TBCK):c.38C>T (p.Thr13Ile)

Gene: TBCK (TBC1 domain containing kinase; minus strand). Cytogenetic location: 4q24.
Variant type: single nucleotide variant.
Coding change: c.38C>T on transcript NM_001163435.3 (MANE Select); coding-DNA position 38, C replaced by T.
Protein change: p.Thr13Ile; replaces threonine 13 with isoleucine.
Molecular consequence: missense variant. On other transcripts: 5 prime UTR variant (1).
Genome position (GRCh38, 1-based): chr4:106,308,923, G>A on the plus strand (C>T on the coding strand, the complement: TBCK is on the minus strand). VCF-style: chr4-106308923-G-A. GRCh37 (hg19) VCF-style: chr4-107230080-G-A.
Other names: c.38C>T, p.Thr13Ile (NM_001163436.4, NM_001163437.3, NM_033115.5); c.-580C>T (NM_001290768.2); short protein forms T13I.
Identifiers: ClinVar variation 2070223 (VCV002070223.1), dbSNP rs1462514092, ClinGen allele CA357974208.

ClinVar aggregate classification (germline): Uncertain significance (1 of 4 stars; one submission).

Allele frequency attached by ClinVar (database versions not stated): gnomAD exomes below 0.00001; TOPMed 0.00001.
gnomAD v4.1: 1 of 1,614,088 alleles (0.000062%); highest among the groups gnomAD compares: Non-Finnish European, 0.000085%; no homozygotes.

Submission:

Labcorp Genetics (formerly Invitae), Labcorp
Classification: Uncertain significance. Last evaluated: 2022-01-02. Review status: criteria provided, single submitter. Criteria: Invitae Variant Classification Sherloc (09022015). Collection method: clinical testing. Allele origin: germline.
Comment: This sequence change replaces threonine, which is neutral and polar, with isoleucine, which is neutral and non-polar, at codon 13 of the TBCK protein (p.Thr13Ile). This variant is present in population databases (no rsID available, gnomAD 0.0009%). This variant has not been reported in the literature in individuals affected with TBCK-related conditions. Algorithms developed to predict the effect of missense changes on protein structure and function are either unavailable or do not agree on the potential impact of this missense change (SIFT: "Tolerated"; PolyPhen-2: "Probably Damaging"; Align-GVGD: "Class C0"). In summary, the available evidence is currently insufficient to determine the role of this variant in disease. Therefore, it has been classified as a Variant of Uncertain Significance.